The following is an entry in ClinVar:

NM_002292.4(LAMB2):c.2579G>A (p.Arg860His)

Genes: LAMB2 (laminin subunit beta 2; minus strand), LOC129936738 (ATAC-STARR-seq lymphoblastoid active region 19855; plus strand). Cytogenetic location: 3p21.31.
Variant type: single nucleotide variant.
Coding change: c.2579G>A on transcript NM_002292.4 (MANE Select); coding-DNA position 2579, G replaced by A.
Protein change: p.Arg860His; replaces arginine 860 with histidine.
Molecular consequence: missense variant.
Genome position (GRCh38, 1-based): chr3:49,125,394, C>T on the plus strand (G>A on the coding strand, the complement: LAMB2 is on the minus strand). VCF-style: chr3-49125394-C-T. GRCh37 (hg19) VCF-style: chr3-49162827-C-T.
Other names: short protein forms R860H.
Identifiers: ClinVar variation 1016999 (VCV001016999.4), dbSNP rs768251178, ClinGen allele CA2394273.

ClinVar aggregate classification (germline): Uncertain significance (1 of 4 stars; one submission).

Conditions:
Pierson syndrome. Also called: MICROCORIA-CONGENITAL NEPHROTIC SYNDROME. Identifiers: Orphanet 2670, MedGen C1836876, MONDO:0012184, OMIM 609049.
LAMB2-related infantile-onset nephrotic syndrome. Also called: Nephrotic Syndrome, type 5; NEPHROTIC SYNDROME, TYPE 5, WITHOUT OCULAR ABNORMALITIES; NEPHROTIC SYNDROME, TYPE 5, WITH OCULAR ABNORMALITIES. Identifiers: Orphanet 306507, MedGen C3280113, MONDO:0013621, OMIM 614199.

Allele frequency attached by ClinVar (database versions not stated): gnomAD 0.00001; TOPMed 0.00001; ExAC 0.00002; gnomAD exomes 0.00003.
gnomAD v4.1: 46 of 1,613,932 alleles (0.0029%); highest among the groups gnomAD compares: Non-Finnish European, 0.0037%; no homozygotes.

Submission:

Labcorp Genetics (formerly Invitae), Labcorp
Classification: Uncertain significance for LAMB2-related infantile-onset nephrotic syndrome; Pierson syndrome. Last evaluated: 2020-03-18. Review status: criteria provided, single submitter. Criteria: Invitae Variant Classification Sherloc (09022015). Collection method: clinical testing. Allele origin: germline.
Comment: In summary, the available evidence is currently insufficient to determine the role of this variant in disease. Therefore, it has been classified as a Variant of Uncertain Significance. Algorithms developed to predict the effect of missense changes on protein structure and function output the following: SIFT: "Tolerated"; PolyPhen-2: "Benign"; Align-GVGD: "Class C0". The histidine amino acid residue is found in multiple mammalian species, suggesting that this missense change does not adversely affect protein function. These predictions have not been confirmed by published functional studies and their clinical significance is uncertain. This variant has not been reported in the literature in individuals with LAMB2-related conditions. This variant is present in population databases (rs768251178, ExAC 0.009%). This sequence change replaces arginine with histidine at codon 860 of the LAMB2 protein (p.Arg860His). The arginine residue is highly conserved and there is a small physicochemical difference between arginine and histidine.